The following is an entry in ClinVar:

ClinVar aggregate classification (germline): Likely benign (1 of 4 stars; one submission).

Conditions:
Sulfite oxidase deficiency due to molybdenum cofactor deficiency type A. Also called: Molybdenum Cofactor Deficiency A; Molybdenum cofactor deficiency, complementation group A. Identifiers: Orphanet 308386, Orphanet 833, MedGen C1854988, MONDO:0009643, OMIM 252150.

Allele frequency attached by ClinVar (database versions not stated): ExAC 0.00098; 1000 Genomes Project 0.00200; 1000 Genomes Project 30x 0.00265; gnomAD 0.00318 and 0.00355; TOPMed 0.00390.
gnomAD v4.1: 629 of 462,456 alleles (0.14%); highest among the groups gnomAD compares: African/African-American, 1.2%; 5 homozygotes.

Submission:

Illumina Laboratory Services, Illumina
Classification: Likely benign for Sulfite oxidase deficiency due to molybdenum cofactor deficiency type A. Last evaluated: 2018-01-12. Review status: criteria provided, single submitter. Criteria: ICSL Variant Classification Criteria 13 December 2019. Collection method: clinical testing. Allele origin: germline.
Comment: This variant was observed in the ICSL laboratory as part of a predisposition screen in an ostensibly healthy population. It had not been previously curated by ICSL or reported in the Human Gene Mutation Database (HGMD: prior to June 1st, 2018), and was therefore a candidate for classification through an automated scoring system. Utilizing variant allele frequency, disease prevalence and penetrance estimates, and inheritance mode, an automated score was calculated to assess if this variant is too frequent to cause the disease. Based on the score and internal cut-off values, a variant classified as likely benign is not then subjected to further curation. The score for this variant resulted in a classification of likely benign for this disease.

NM_001358530.2(MOCS1):c.*990T>C

Gene: MOCS1 (molybdenum cofactor synthesis 1; minus strand). Cytogenetic location: 6p21.2.
Variant type: single nucleotide variant.
Coding change: c.*990T>C on transcript NM_001358530.2 (MANE Select); 990 bases downstream of the stop codon, T replaced by C.
Molecular consequence: 3 prime UTR variant. On other transcripts: non-coding transcript variant (1).
Genome position (GRCh38, 1-based): chr6:39,905,367, A>G on the plus strand (T>C on the coding strand, the complement: MOCS1 is on the minus strand). VCF-style: chr6-39905367-A-G. GRCh37 (hg19) VCF-style: chr6-39873143-A-G.
Other names: c.*1758T>C (NM_001075098.4, NM_001358533.2, NM_001358534.2 and 1 more transcripts); c.*990T>C (NM_001358529.2, NM_001358531.2).
Identifiers: ClinVar variation 356617 (VCV000356617.5), dbSNP rs192141515, ClinGen allele CA3795687.